The following is an entry in ClinVar:

ClinVar aggregate classification (germline): Uncertain significance. Review status: criteria provided, multiple submitters, no conflicts (2 of 4 stars). 2 submissions from 2 submitters: Uncertain significance (2). Last evaluated 2026-01-05.

Conditions:
Autosomal recessive hypophosphatemic bone disease (HHRH). Also called: HYPERCALCIURIC RICKETS; Hypophosphatemic rickets with hypercalciuria. Identifiers: Orphanet 157215, MedGen C1853271, MONDO:0009431, OMIM 241530.
Hypercalciuria. Identifiers: MedGen C0020438, HP:0002150.

Allele frequency attached by ClinVar (database versions not stated): gnomAD exomes 0.00004; gnomAD 0.00005; TOPMed 0.00006; ExAC 0.00007; ESP Exome Variant Server 0.00016.
gnomAD v4.1: 151 of 1,598,754 alleles (0.0094%); highest among the groups gnomAD compares: Middle Eastern, 0.066%; 1 homozygote.

Submissions (2):

Labcorp Genetics (formerly Invitae), Labcorp
Classification: Uncertain significance. Last evaluated: 2026-01-05. Review status: criteria provided, single submitter. Criteria: Invitae Variant Classification Sherloc (09022015). Collection method: clinical testing. Allele origin: germline.
Comment: This sequence change replaces valine, which is neutral and non-polar, with isoleucine, which is neutral and non-polar, at codon 379 of the SLC34A3 protein (p.Val379Ile). This variant is present in population databases (rs368525218, gnomAD 0.01%). This variant has not been reported in the literature in individuals affected with SLC34A3-related conditions. ClinVar contains an entry for this variant (Variation ID: 965879). Invitae Evidence Modeling of protein sequence and biophysical properties (such as structural, functional, and spatial information, amino acid conservation, physicochemical variation, residue mobility, and thermodynamic stability) indicates that this missense variant is not expected to disrupt SLC34A3 protein function with a negative predictive value of 80%. In summary, the available evidence is currently insufficient to determine the role of this variant in disease. Therefore, it has been classified as a Variant of Uncertain Significance.

Fulgent Genetics
Classification: Uncertain significance for Autosomal recessive hypophosphatemic bone disease. Last evaluated: 2021-12-21. Review status: criteria provided, single submitter. Criteria: ACMG Guidelines, 2015. Collection method: clinical testing. Allele origin: unknown.

NM_001177316.2(SLC34A3):c.1135G>A (p.Val379Ile)

Gene: SLC34A3 (solute carrier family 34 member 3; plus strand). Cytogenetic location: 9q34.3.
Variant type: single nucleotide variant.
Coding change: c.1135G>A on transcript NM_001177316.2 (MANE Select); coding-DNA position 1135, G replaced by A.
Protein change: p.Val379Ile; replaces valine 379 with isoleucine.
Molecular consequence: missense variant.
Genome position (GRCh38, 1-based): chr9:137,234,457, G>A. VCF-style: chr9-137234457-G-A. GRCh37 (hg19) VCF-style: chr9-140128909-G-A.
Other names: c.1135G>A, p.Val379Ile (NM_001177317.2, NM_080877.3); short protein forms V379I.
Identifiers: ClinVar variation 965879 (VCV000965879.10), dbSNP rs368525218, ClinGen allele CA5364809.